The following is an entry in ClinVar:

ClinVar aggregate classification (germline): Likely pathogenic. Review status: criteria provided, multiple submitters, no conflicts (2 of 4 stars). 2 submissions from 2 submitters: Likely pathogenic (2). Last evaluated 2025-09-17.

Conditions:
Medium-chain acyl-coenzyme A dehydrogenase deficiency (ACADMD). Also called: MCADH DEFICIENCY; MCADD; ACADM DEFICIENCY; CARNITINE DEFICIENCY SECONDARY TO MEDIUM-CHAIN ACYL-CoA DEHYDROGENASE DEFICIENCY; MCAD Deficiency; Medium chain acyl-CoA dehydrogenase deficiency. Identifiers: Orphanet 42, MedGen C0220710, MONDO:0008721, OMIM 201450.

Submissions (2):

Natera, Inc.
Classification: Likely pathogenic for Medium Chain Acyl-CoA Dehydrogenase Deficiency. Last evaluated: 2025-09-17. Review status: criteria provided, single submitter. Criteria: Natera Variant Classification Schema (03/2026). Collection method: clinical testing. Allele origin: germline.
Comment: The c.1237delC variant in ACADM is a frameshift variant predicted to elongate the protein beyond the termination codon. This variant is expected to result in nonsense mediated decay, truncation, or a dysfunctional protein product. This variant is rare in the general population with a frequency below the threshold expected for the associated phenotype(s). Given the available evidence, this variant is classified as Likely Pathogenic.

Baylor Genetics
Classification: Likely pathogenic for Medium-chain acyl-coenzyme A dehydrogenase deficiency. Last evaluated: 2023-01-12. Review status: criteria provided, single submitter. Criteria: ACMG Guidelines, 2015. Collection method: clinical testing. Allele origin: unknown.

NM_000016.6(ACADM):c.1237del (p.Arg413fs)

Gene: ACADM (acyl-CoA dehydrogenase medium chain; plus strand). Cytogenetic location: 1p31.1.
Variant type: Deletion.
Coding change: c.1237del on transcript NM_000016.6 (MANE Select); coding-DNA position 1237, one base deleted (C; older notation c.1237delC).
Protein change: p.Arg413fs; shifts the reading frame from arginine 413.
Molecular consequence: frameshift variant.
Genome position (GRCh38, 1-based): chr1:75,762,734, C deleted; the last of 3 consecutive C bases (chr1:75,762,732-75,762,734); deleting any one gives the same sequence. VCF-style (leftmost placement, unchanged base first): chr1-75762731-GC-G. GRCh37 (hg19) VCF-style: chr1-76228416-GC-G.
Other names: c.1249del, p.Arg417fs (NM_001127328.3); c.1129del, p.Arg377fs (NM_001286042.2); c.1336del, p.Arg446fs (NM_001286043.2); c.670del, p.Arg224fs (NM_001286044.2); short protein forms R224fs, R377fs, R413fs, R417fs, R446fs.
Identifiers: ClinVar variation 2679955 (VCV002679955.2), dbSNP rs2525706798, ClinGen allele CA2695198052.